The following is an entry in ClinVar:

NM_001099274.3(TINF2):c.1006G>T (p.Gly336Trp)

Gene: TINF2 (TERF1 interacting nuclear factor 2; minus strand). Cytogenetic location: 14q12.
Variant type: single nucleotide variant.
Coding change: c.1006G>T on transcript NM_001099274.3 (MANE Select); coding-DNA position 1006, G replaced by T.
Protein change: p.Gly336Trp; replaces glycine 336 with tryptophan.
Molecular consequence: missense variant.
Genome position (GRCh38, 1-based): chr14:24,240,474, C>A on the plus strand (G>T on the coding strand, the complement: TINF2 is on the minus strand). VCF-style: chr14-24240474-C-A. GRCh37 (hg19) VCF-style: chr14-24709680-C-A.
Other names: c.901G>T, p.Gly301Trp (NM_001363668.2); c.1006G>T, p.Gly336Trp (NM_012461.3); short protein forms G301W, G336W.
Identifiers: ClinVar variation 4281827 (VCV004281827.1).
Genomic context (GRCh38, chr14:24,240,474, plus strand): 5'-CTCACTCCTTTTGCTCTGTGGCAGGCAAGTCAACTGGGTTCTCCTTCAGAGCCCTTCCCC[C>A]CAGGGTCTGGCATGGACTCTTAGACTTCCCAGTGGAGGCTGCTCTTGTGCCCATGGCTAG-3'
Protein context (NP_001092744.1, residues 326-346): GKSKSPCQTL[Gly336Trp]GRALKENPVD

ClinVar aggregate classification (germline): Uncertain significance (1 of 4 stars; one submission).

gnomAD v4.1: 2 of 1,614,198 alleles (0.00012%); highest among the groups gnomAD compares: African/African-American, 0.0013%; no homozygotes.

Submission:

GeneDx
Classification: Uncertain significance. Last evaluated: 2025-04-13. Review status: criteria provided, single submitter. Criteria: GeneDx Variant Classification Process June 2021. Collection method: clinical testing. Allele origin: germline. Affected: yes.
Comment: Not observed at significant frequency in large population cohorts (gnomAD); In silico analysis supports that this missense variant has a deleterious effect on protein structure/function; Has not been previously published as pathogenic or benign to our knowledge